The following is an entry in ClinVar:

NM_205861.3(DHDDS):c.540C>T (p.Pro180=)

Gene: DHDDS (dehydrodolichyl diphosphate synthase subunit; plus strand). Cytogenetic location: 1p36.11.
Variant type: single nucleotide variant.
Coding change: c.540C>T on transcript NM_205861.3 (MANE Select); coding-DNA position 540, C replaced by T.
Protein change: p.Pro180=; no amino-acid change (proline 180 retained).
Molecular consequence: synonymous variant. On other transcripts: intron variant (1).
Genome position (GRCh38, 1-based): chr1:26,447,658, C>T. VCF-style: chr1-26447658-C-T. GRCh37 (hg19) VCF-style: chr1-26774149-C-T.
Other names: c.423C>T, p.Pro141= (NM_001243565.2); c.261C>T, p.Pro87= (NM_001319959.2); c.540C>T, p.Pro180= (NM_024887.4); c.440+1226C>T (NM_001243564.2).
Identifiers: ClinVar variation 3644013 (VCV003644013.2).

ClinVar aggregate classification (germline): Uncertain significance (1 of 4 stars; one submission).

Conditions:
Retinitis pigmentosa 59 (RP59). Identifiers: Orphanet 791, MedGen C3151227, MONDO:0013468, OMIM 613861.

Submission:

Labcorp Genetics (formerly Invitae), Labcorp
Classification: Uncertain significance for Retinitis pigmentosa 59. Last evaluated: 2024-03-01. Review status: criteria provided, single submitter. Criteria: Invitae Variant Classification Sherloc (09022015). Collection method: clinical testing. Allele origin: germline.
Comment: This sequence change affects codon 180 of the DHDDS mRNA. It is a 'silent' change, meaning that it does not change the encoded amino acid sequence of the DHDDS protein. This variant is not present in population databases (gnomAD no frequency). This variant has not been reported in the literature in individuals affected with DHDDS-related conditions. Algorithms developed to predict the effect of sequence changes on RNA splicing suggest that this variant may disrupt the consensus splice site. In summary, the available evidence is currently insufficient to determine the role of this variant in disease. Therefore, it has been classified as a Variant of Uncertain Significance.